The following is an entry in ClinVar:

NM_052945.4(TNFRSF13C):c.142G>A (p.Ala48Thr)

Genes: TNFRSF13C (TNF receptor superfamily member 13C; minus strand), LOC130067574 (ATAC-STARR-seq lymphoblastoid silent region 13813; plus strand). Cytogenetic location: 22q13.2.
Variant type: single nucleotide variant.
Coding change: c.142G>A on transcript NM_052945.4 (MANE Select); coding-DNA position 142, G replaced by A.
Protein change: p.Ala48Thr; replaces alanine 48 with threonine.
Molecular consequence: missense variant.
Genome position (GRCh38, 1-based): chr22:41,926,326, C>T on the plus strand (G>A on the coding strand, the complement: TNFRSF13C is on the minus strand). VCF-style: chr22-41926326-C-T. GRCh37 (hg19) VCF-style: chr22-42322330-C-T.
Other names: short protein forms A48T.
Identifiers: ClinVar variation 1441522 (VCV001441522.6), dbSNP rs1407623179, ClinGen allele CA411763413.
Genomic context (GRCh38, chr22:41,926,326, plus strand): 5'-CGGCCCCCGCGCCCACCGACTCCTGCGGCTGCAGCGCCGTCCTGGGCGCAGGGCTGCTGG[C>T]CCCGGCTGCTTCGGGAGGGGACAGGGAGGGAGGCCAGGGGGCCGAGGGGAGGGAGGAGCG-3'
Protein context (NP_443177.1, residues 38-58): LRTPRPKPAG[Ala48Thr]SSPAPRTALQ

ClinVar aggregate classification (germline): Uncertain significance (1 of 4 stars; one submission).

Conditions:
Immunodeficiency, common variable, 4. Also called: ANTIBODY DEFICIENCY DUE TO BAFFR DEFECT. Identifiers: Orphanet 1572, Orphanet 696925, MedGen C3150739, MONDO:0013284, OMIM 613494.

Submission:

Labcorp Genetics (formerly Invitae), Labcorp
Classification: Uncertain significance for Immunodeficiency, common variable, 4. Last evaluated: 2021-10-08. Review status: criteria provided, single submitter. Criteria: Invitae Variant Classification Sherloc (09022015). Collection method: clinical testing. Allele origin: germline.
Comment: In summary, the available evidence is currently insufficient to determine the role of this variant in disease. Therefore, it has been classified as a Variant of Uncertain Significance. Algorithms developed to predict the effect of missense changes on protein structure and function (SIFT, PolyPhen-2, Align-GVGD) all suggest that this variant is likely to be tolerated. This variant has not been reported in the literature in individuals affected with TNFRSF13C-related conditions. The frequency data for this variant in the population databases is considered unreliable, as metrics indicate insufficient coverage at this position in the ExAC database. This sequence change replaces alanine with threonine at codon 48 of the TNFRSF13C protein (p.Ala48Thr). The alanine residue is weakly conserved and there is a small physicochemical difference between alanine and threonine.